The following is an entry in ClinVar:

NM_001844.5(COL2A1):c.1675G>A (p.Ala559Thr)

Gene: COL2A1 (collagen type II alpha 1 chain; minus strand). Cytogenetic location: 12q13.11.
Variant type: single nucleotide variant.
Coding change: c.1675G>A on transcript NM_001844.5 (MANE Select); coding-DNA position 1675, G replaced by A.
Protein change: p.Ala559Thr; replaces alanine 559 with threonine.
Molecular consequence: missense variant.
Genome position (GRCh38, 1-based): chr12:47,985,733, C>T on the plus strand (G>A on the coding strand, the complement: COL2A1 is on the minus strand). VCF-style: chr12-47985733-C-T. GRCh37 (hg19) VCF-style: chr12-48379516-C-T.
Other names: c.1468G>A, p.Ala490Thr (NM_033150.3); short protein forms A559T, A490T.
Identifiers: ClinVar variation 1505733 (VCV001505733.8), dbSNP rs1424853323, ClinGen allele CA384551332.

ClinVar aggregate classification (germline): Uncertain significance (1 of 4 stars; one submission).

Submission:

Labcorp Genetics (formerly Invitae), Labcorp
Classification: Uncertain significance. Last evaluated: 2023-05-22. Review status: criteria provided, single submitter. Criteria: Invitae Variant Classification Sherloc (09022015). Collection method: clinical testing. Allele origin: germline.
Comment: Advanced modeling of protein sequence and biophysical properties (such as structural, functional, and spatial information, amino acid conservation, physicochemical variation, residue mobility, and thermodynamic stability) has been performed at Invitae for this missense variant, however the output from this modeling did not meet the statistical confidence thresholds required to predict the impact of this variant on COL2A1 protein function. ClinVar contains an entry for this variant (Variation ID: 1505733). This variant has not been reported in the literature in individuals affected with COL2A1-related conditions. This variant is not present in population databases (gnomAD no frequency). This sequence change replaces alanine, which is neutral and non-polar, with threonine, which is neutral and polar, at codon 559 of the COL2A1 protein (p.Ala559Thr). In summary, the available evidence is currently insufficient to determine the role of this variant in disease. Therefore, it has been classified as a Variant of Uncertain Significance.